The following is an entry in ClinVar:

NM_000038.6(APC):c.6087T>C (p.Ser2029=)

Gene: APC (APC regulator of Wnt signaling pathway; plus strand). Cytogenetic location: 5q22.2.
Variant type: single nucleotide variant.
Coding change: c.6087T>C on transcript NM_000038.6 (MANE Select); coding-DNA position 6087, T replaced by C.
Protein change: p.Ser2029=; no amino-acid change (serine 2029 retained).
Molecular consequence: synonymous variant.
Genome position (GRCh38, 1-based): chr5:112,841,681, T>C. VCF-style: chr5-112841681-T-C. GRCh37 (hg19) VCF-style: chr5-112177378-T-C.
Other names: c.6087T>C, p.Ser2029= (NM_001127510.3, NM_001354895.2); c.6033T>C, p.Ser2011= (NM_001127511.3); c.6141T>C, p.Ser2047= (NM_001354896.2); c.6117T>C, p.Ser2039= (NM_001354897.2); c.6012T>C, p.Ser2004= (NM_001354898.2); c.6003T>C, p.Ser2001= (NM_001354899.2); c.5964T>C, p.Ser1988= (NM_001354900.2); c.5910T>C, p.Ser1970= (NM_001354901.2); and 5 more.
Identifiers: ClinVar variation 482345 (VCV000482345.18), dbSNP rs1554087193, ClinGen allele CA446209023.

ClinVar aggregate classification (germline): Benign/Likely benign. Review status: criteria provided, multiple submitters, no conflicts (2 of 4 stars). 4 submissions from 4 submitters: Benign (1); Likely benign (3). Last evaluated 2024-04-03.

Conditions:
Hereditary cancer-predisposing syndrome. Also called: Neoplastic Syndromes, Hereditary; Tumor predisposition; Hereditary Cancer Syndrome; Hereditary neoplastic syndrome. Identifiers: Orphanet 140162, MedGen C0027672, MeSH D009386, MONDO:0015356.
Familial adenomatous polyposis 1 (FAP1). Also called: FAMILIAL ADENOMATOUS POLYPOSIS 1, ATTENUATED; POLYPOSIS, ADENOMATOUS INTESTINAL. Identifiers: MedGen C2713442, MONDO:0021056, OMIM 175100. Disease mechanism: loss of function.

Submissions (4):

Myriad Genetics, Inc.
Classification: Benign for Familial adenomatous polyposis 1. Last evaluated: 2024-04-03. Review status: criteria provided, single submitter. Criteria: Myriad Autosomal Dominant, Autosomal Recessive and X-Linked Classification Criteria (2023). Collection method: clinical testing. Allele origin: unknown.
Comment: This variant is considered benign. This variant is a silent/synonymous amino acid change and it is not expected to impact splicing.

Labcorp Genetics (formerly Invitae), Labcorp
Classification: Likely benign for Familial adenomatous polyposis 1. Last evaluated: 2019-08-01. Review status: criteria provided, single submitter. Criteria: Invitae Variant Classification Sherloc (09022015). Collection method: clinical testing. Allele origin: germline.

Color Diagnostics, LLC DBA Color Health
Classification: Likely benign for Hereditary cancer-predisposing syndrome. Last evaluated: 2019-01-07. Review status: criteria provided, single submitter. Criteria: ACMG Guidelines, 2015. Collection method: clinical testing. Allele origin: germline.

Ambry Genetics
Classification: Likely benign for Hereditary cancer-predisposing syndrome. Last evaluated: 2016-04-14. Review status: criteria provided, single submitter. Criteria: Ambry Variant Classification Scheme 2023. Collection method: clinical testing. Allele origin: germline.